The following is an entry in ClinVar:

ClinVar aggregate classification (germline): Uncertain significance (1 of 4 stars; one submission).

Allele frequency attached by ClinVar (database versions not stated): gnomAD exomes below 0.00001; TOPMed below 0.00001.
gnomAD v4.1: 1 of 1,614,068 alleles (0.000062%); highest among the groups gnomAD compares: Non-Finnish European, 0.000085%; no homozygotes.

Submission:

Labcorp Genetics (formerly Invitae), Labcorp
Classification: Uncertain significance. Last evaluated: 2019-12-31. Review status: criteria provided, single submitter. Criteria: Invitae Variant Classification Sherloc (09022015). Collection method: clinical testing. Allele origin: germline.
Comment: In summary, the available evidence is currently insufficient to determine the role of this variant in disease. Therefore, it has been classified as a Variant of Uncertain Significance. Algorithms developed to predict the effect of missense changes on protein structure and function output the following: SIFT: "Tolerated"; PolyPhen-2: "Benign"; Align-GVGD: "Class C0". The arginine amino acid residue is found in multiple mammalian species, suggesting that this missense change does not adversely affect protein function. These predictions have not been confirmed by published functional studies and their clinical significance is uncertain. This variant has not been reported in the literature in individuals with A2ML1-related conditions. This variant is not present in population databases (ExAC no frequency). This sequence change replaces tryptophan with arginine at codon 266 of the A2ML1 protein (p.Trp266Arg). The tryptophan residue is weakly conserved and there is a moderate physicochemical difference between tryptophan and arginine.

NM_144670.6(A2ML1):c.796T>C (p.Trp266Arg)

Gene: A2ML1 (alpha-2-macroglobulin like 1; plus strand). Cytogenetic location: 12p13.31.
Variant type: single nucleotide variant.
Coding change: c.796T>C on transcript NM_144670.6 (MANE Select); coding-DNA position 796, T replaced by C.
Protein change: p.Trp266Arg; replaces tryptophan 266 with arginine.
Molecular consequence: missense variant.
Genome position (GRCh38, 1-based): chr12:8,837,507, T>C. VCF-style: chr12-8837507-T-C. GRCh37 (hg19) VCF-style: chr12-8990103-T-C.
Other names: short protein forms W266R.
Identifiers: ClinVar variation 860781 (VCV000860781.9), dbSNP rs1943322710, ClinGen allele CA383822944.